The following is an entry in ClinVar:

NM_000135.4(FANCA):c.4284C>A (p.Cys1428Ter)

Genes: FANCA (FA complementation group A; minus strand), ZNF276 (zinc finger protein 276; plus strand). Cytogenetic location: 16q24.3.
Variant type: single nucleotide variant.
Coding change: c.4284C>A on transcript NM_000135.4 (MANE Select); coding-DNA position 4284, C replaced by A.
Protein change: p.Cys1428Ter; replaces cysteine 1428 with a stop codon.
Molecular consequence: nonsense. On other transcripts: 3 prime UTR variant (3), non-coding transcript variant (4).
Genome position (GRCh38, 1-based): chr16:89,738,685, G>T on the plus strand (C>A on the coding strand, the complement: FANCA is on the minus strand). VCF-style: chr16-89738685-G-T. GRCh37 (hg19) VCF-style: chr16-89805093-G-T.
Other names: c.*13C>A (NM_001286167.3); c.*439G>T (NM_001113525.2, NM_152287.4); short protein forms C1428*.
Identifiers: ClinVar variation 4532881 (VCV004532881.1).
Genomic context (GRCh38, chr16:89,738,685, plus strand): 5'-CAGGTCAGCGTCAGGGGCAGCCTGCTGTCTGCTCTGGAGGGCGGCGCTCACCTCTGGGTC[G>T]CAGTCCCCACGATCAGCCAGCAGCTGTGAGAGAGGAGCAGGTCCTCAGCCCATGCCGCCC-3'

ClinVar aggregate classification (germline): Likely pathogenic (1 of 4 stars; one submission).

Submission:

Quest Diagnostics Nichols Institute San Juan Capistrano
Classification: Likely pathogenic. Last evaluated: 2025-06-19. Review status: criteria provided, single submitter. Criteria: Quest Diagnostics criteria. Collection method: clinical testing. Allele origin: unknown.
Comment: The FANCA c.4284C>A (p.Cys1428*) variant is predicted to cause the premature termination of FANCA protein synthesis. This variant has not been reported in individuals with FANCA-related conditions in the published literature. This variant has not been reported in large, multi-ethnic general populations (Genome Aggregation Database). Based on the available information, this variant is classified as likely pathogenic.